The following is an entry in ClinVar:

NM_001267550.2(TTN):c.102721A>G (p.Met34241Val)

Genes: TTN (titin; minus strand), TTN-AS1 (TTN antisense RNA 1; plus strand). Cytogenetic location: 2q31.2.
Variant type: single nucleotide variant.
Coding change: c.102721A>G on transcript NM_001267550.2 (MANE Select); coding-DNA position 102721, A replaced by G.
Protein change: p.Met34241Val; replaces methionine 34241 with valine.
Molecular consequence: missense variant.
Genome position (GRCh38, 1-based): chr2:178,533,894, T>C on the plus strand (A>G on the coding strand, the complement: TTN is on the minus strand). VCF-style: chr2-178533894-T-C. GRCh37 (hg19) VCF-style: chr2-179398621-T-C.
Other names: c.97798A>G, p.Met32600Val (NM_001256850.1); c.75526A>G, p.Met25176Val (NM_003319.4); c.95017A>G, p.Met31673Val (NM_133378.4); c.75901A>G, p.Met25301Val (NM_133432.3); c.76102A>G, p.Met25368Val (NM_133437.4); short protein forms M31673V, M32600V, M25176V, M25368V, M34241V, M25301V.
Identifiers: ClinVar variation 835397 (VCV000835397.1), dbSNP rs1690291255, ClinGen allele CA349416903.
Genomic context (GRCh38, chr2:178,533,894, plus strand): 5'-TAAATTCTGGTGGCCTTTCCAGGAGTCTCATTGTGTCTGTTCTGCGCTTAATTTTCTTCA[T>C]GGTTCTACGGCAGTAATAGTCATAGACTTCTCTCACACCTTTAACAAATAGCTCTGCATA-3'
Protein context (NP_001254479.2, residues 34231-34251): EVYDYYCRRT[Met34241Val]KKIKRRTDTM

ClinVar aggregate classification (germline): Uncertain significance (1 of 4 stars; one submission).

Conditions:
Dilated cardiomyopathy 1G (CMD1G). Identifiers: Orphanet 154, MedGen C1858763, MONDO:0011400, OMIM 604145.
Autosomal recessive limb-girdle muscular dystrophy type 2J (LGMDR10). Also called: Limb-girdle muscular dystrophy, type 2J; MUSCULAR DYSTROPHY, LIMB-GIRDLE, AUTOSOMAL RECESSIVE 10. Identifiers: Orphanet 140922, MedGen C1837342, MONDO:0012127, OMIM 608807.

Allele frequency attached by ClinVar (database versions not stated): gnomAD exomes below 0.00001; TOPMed below 0.00001.
gnomAD v4.1: 4 of 1,613,898 alleles (0.00025%); highest among the groups gnomAD compares: Non-Finnish European, 0.00034%; no homozygotes.

Submission:

Labcorp Genetics (formerly Invitae), Labcorp
Classification: Uncertain significance for Dilated cardiomyopathy 1G; Limb-girdle muscular dystrophy, type 2J. Last evaluated: 2019-12-24. Review status: criteria provided, single submitter. Criteria: Invitae Variant Classification Sherloc (09022015). Collection method: clinical testing. Allele origin: germline.
Comment: This sequence change replaces methionine with valine at codon 34241 of the TTN protein (p.Met34241Val). There is a small physicochemical difference between methionine and valine. This variant is not present in population databases (ExAC no frequency). This variant has not been reported in the literature in individuals with TTN-related conditions. This variant is located in the M band of TTN (PMID: 25589632). Variants in this region may be relevant for neuromuscular disorders, but have not been definitively shown to cause cardiomyopathy (PMID: 23975875). Algorithms developed to predict the effect of missense changes on protein structure and function are unavailable for the TTN gene. The valine amino acid residue is found in multiple mammalian species, suggesting that this missense change does not adversely affect protein function. These predictions have not been confirmed by published functional studies and their clinical significance is uncertain. In summary, the available evidence is currently insufficient to determine the role of this variant in disease. Therefore, it has been classified as a Variant of Uncertain Significance.

Literature cited by the submitters: PubMed 23975875; PubMed 25589632.